The following is an entry in ClinVar:

ClinVar aggregate classification (germline): Uncertain significance (1 of 4 stars; one submission).

Conditions:
Inborn genetic diseases. Identifiers: MedGen C0950123, MeSH D030342.

Submission:

Ambry Genetics
Classification: Uncertain significance for Inborn genetic diseases. Last evaluated: 2024-03-21. Review status: criteria provided, single submitter. Criteria: Ambry Variant Classification Scheme 2023. Collection method: clinical testing. Allele origin: germline.
Comment: The p.P1991L variant (also known as c.5972C>T), located in coding exon 35 of the ATR gene, results from a C to T substitution at nucleotide position 5972. The proline at codon 1991 is replaced by leucine, an amino acid with similar properties. This amino acid position is conserved. In addition, this alteration is predicted to be tolerated by in silico analysis. Based on the available evidence, the clinical significance of this alteration remains unclear.

NM_001184.4(ATR):c.5972C>T (p.Pro1991Leu)

Gene: ATR (ATR serine/threonine kinase; minus strand). Cytogenetic location: 3q23.
Variant type: single nucleotide variant.
Coding change: c.5972C>T on transcript NM_001184.4 (MANE Select); coding-DNA position 5972, C replaced by T.
Protein change: p.Pro1991Leu; replaces proline 1991 with leucine.
Molecular consequence: missense variant.
Genome position (GRCh38, 1-based): chr3:142,493,238, G>A on the plus strand (C>T on the coding strand, the complement: ATR is on the minus strand). VCF-style: chr3-142493238-G-A. GRCh37 (hg19) VCF-style: chr3-142212080-G-A.
Other names: c.5780C>T, p.Pro1927Leu (NM_001354579.2); short protein forms P1927L, P1991L.
Identifiers: ClinVar variation 3331300 (VCV003331300.1).